The following is an entry in ClinVar:

ClinVar aggregate classification (germline): Uncertain significance. Review status: criteria provided, single submitter (1 of 4 stars). 2 submissions from 2 submitters: Uncertain significance (1). 1 of the submissions does not count toward it. Last evaluated 2023-05-29.

Conditions:
Cardiovascular phenotype. Identifiers: MedGen CN230736.
Noonan syndrome (NS). Also called: Noonan's syndrome. Identifiers: Orphanet 648, MedGen C0028326, MeSH D009634, MONDO:0018997. Disease mechanism: gain of function.

Submissions (2):

Ambry Genetics
Classification: Uncertain significance for Cardiovascular phenotype. Last evaluated: 2023-05-29. Review status: criteria provided, single submitter. Criteria: Ambry Variant Classification Scheme 2023. Collection method: clinical testing. Allele origin: germline.
Comment: The p.D555N variant (also known as c.1663G>A), located in coding exon 10 of the SOS1 gene, results from a G to A substitution at nucleotide position 1663. The aspartic acid at codon 555 is replaced by asparagine, an amino acid with highly similar properties. This amino acid position is conserved. In addition, this alteration is predicted to be tolerated by in silico analysis. Since supporting evidence is limited at this time, the clinical significance of this alteration remains unclear.

Service de Génétique Moléculaire, Hôpital Robert Debré
Classification: Likely benign for Noonan syndrome. Review status: no assertion criteria provided. Collection method: clinical testing. Allele origin: maternal. Affected: no. Not counted in ClinVar's aggregate classification.

NM_005633.4(SOS1):c.1663G>A (p.Asp555Asn)

Gene: SOS1 (SOS Ras/Rac guanine nucleotide exchange factor 1; minus strand). Cytogenetic location: 2p22.1.
Variant type: single nucleotide variant.
Coding change: c.1663G>A on transcript NM_005633.4 (MANE Select); coding-DNA position 1663, G replaced by A.
Protein change: p.Asp555Asn; replaces aspartic acid 555 with asparagine.
Molecular consequence: missense variant.
Genome position (GRCh38, 1-based): chr2:39,022,765, C>T on the plus strand (G>A on the coding strand, the complement: SOS1 is on the minus strand). VCF-style: chr2-39022765-C-T. GRCh37 (hg19) VCF-style: chr2-39249906-C-T.
Other names: c.1642G>A, p.Asp548Asn (NM_001382394.1); c.1663G>A, p.Asp555Asn (NM_001382395.1); short protein forms D548N, D555N.
Identifiers: ClinVar variation 981570 (VCV000981570.3), dbSNP rs2529035313, ClinGen allele CA346365669.
Genomic context (GRCh38, chr2:39,022,765, plus strand): 5'-AAACATCAGCACTAGGCAGCCTCATCTGCTCCTCTTTCTCTTCCTGTAGCATTGTTACAT[C>T]AAGCATCCTTTCCAGTGTACTCCGGTACTGTAAAGATATCAATGCTGCCATCCAATTGTT-3'
Protein context (NP_005624.2, residues 545-565): QYRSTLERML[Asp555Asn]VTMLQEEKEE